The following is an entry in ClinVar:

NM_001110556.2(FLNA):c.671A>G (p.Asn224Ser)

Gene: FLNA (filamin A; minus strand). Cytogenetic location: Xq28.
Variant type: single nucleotide variant.
Coding change: c.671A>G on transcript NM_001110556.2 (MANE Select); coding-DNA position 671, A replaced by G.
Protein change: p.Asn224Ser; replaces asparagine 224 with serine.
Molecular consequence: missense variant.
Genome position (GRCh38, 1-based): chrX:154,367,690, T>C on the plus strand (A>G on the coding strand, the complement: FLNA is on the minus strand). VCF-style: chrX-154367690-T-C. GRCh37 (hg19) VCF-style: chrX-153596058-T-C.
Other names: c.671A>G, p.Asn224Ser (NM_001456.4); short protein forms N224S.
Identifiers: ClinVar variation 2949220 (VCV002949220.3), dbSNP rs2522764590, ClinGen allele CA415248842.
Genomic context (GRCh38, chrX:154,367,690, plus strand): 5'-GGCGGGTGTACCTGGGGGATGCCCAGCCAGTCATCCGCCTGCTGCATGGCCTCTCGCGCA[T>C]TGGTAACGGGCTTGCTGGCGTCCCAAGAGTCCCAGTCAGGACACAGGCCTGTGGCGCAAG-3'
Protein context (NP_001104026.1, residues 214-234): DSWDASKPVT[Asn224Ser]AREAMQQADD

ClinVar aggregate classification (germline): Uncertain significance (1 of 4 stars; one submission).

Conditions:
Heterotopia, periventricular, X-linked dominant (PVNH1). Also called: PERIVENTRICULAR NODULAR HETEROTOPIA 1; X-linked periventricular heterotopia; PERIVENTRICULAR NODULAR HETEROTOPIA 4; HETEROTOPIA, PERIVENTRICULAR, 1. Identifiers: Orphanet 2149, Orphanet 82004, MedGen C1848213, MONDO:0010233, OMIM 300049.
Melnick-Needles syndrome (MNS). Also called: Melnick-Needles Syndrome (FLNA-MNS); MELNICK-NEEDLES OSTEODYSPLASTY; OSTEODYSPLASTY OF MELNICK AND NEEDLES. Identifiers: Orphanet 2484, MedGen C0025237, MONDO:0010650, OMIM 309350.
Frontometaphyseal dysplasia (FMD1). Identifiers: Orphanet 1826, MedGen C0265293, MONDO:0015942.
Oto-palato-digital syndrome, type II (OPD2). Also called: Otopalatodigital Syndrome Type 2 (FLNA-OPD2); FACIOPALATOOSSEOUS SYNDROME; OPD II SYNDROME; Otopalatodigital Syndrome, Type II. Identifiers: Orphanet 669, Orphanet 90652, MedGen C1844696, MONDO:0010571, OMIM 304120.

Submission:

Labcorp Genetics (formerly Invitae), Labcorp
Classification: Uncertain significance for Oto-palato-digital syndrome, type II; Heterotopia, periventricular, X-linked dominant; Frontometaphyseal dysplasia; Melnick-Needles syndrome. Last evaluated: 2024-02-16. Review status: criteria provided, single submitter. Criteria: Invitae Variant Classification Sherloc (09022015). Collection method: clinical testing. Allele origin: germline.
Comment: This sequence change replaces asparagine, which is neutral and polar, with serine, which is neutral and polar, at codon 224 of the FLNA protein (p.Asn224Ser). This variant is not present in population databases (gnomAD no frequency). This variant has not been reported in the literature in individuals affected with FLNA-related conditions. Advanced modeling of protein sequence and biophysical properties (such as structural, functional, and spatial information, amino acid conservation, physicochemical variation, residue mobility, and thermodynamic stability) performed at Invitae indicates that this missense variant is expected to disrupt FLNA protein function with a positive predictive value of 80%. In summary, the available evidence is currently insufficient to determine the role of this variant in disease. Therefore, it has been classified as a Variant of Uncertain Significance.